The following is an entry in ClinVar:

ClinVar aggregate classification (germline): Uncertain significance (1 of 4 stars; one submission).

Submission:

GeneDx
Classification: Uncertain significance. Last evaluated: 2024-07-31. Review status: criteria provided, single submitter. Criteria: GeneDx Variant Classification Process June 2021. Collection method: clinical testing. Allele origin: germline. Affected: yes.
Comment: Published functional studies suggest this variant results in disrupted cold sensitivity of the GluK2 kainate receptor subunit; however additional studies are needed to validate the functional effect of this variant in vivo (PMID: 31474366); Not observed at significant frequency in large population cohorts (gnomAD); In silico analysis supports that this missense variant has a deleterious effect on protein structure/function; This variant is associated with the following publications: (PMID: 31474366)

NM_021956.5(GRIK2):c.452C>T (p.Pro151Leu)

Gene: GRIK2 (glutamate ionotropic receptor kainate type subunit 2; plus strand). Cytogenetic location: 6q16.3.
Variant type: single nucleotide variant.
Coding change: c.452C>T on transcript NM_021956.5 (MANE Select); coding-DNA position 452, C replaced by T.
Protein change: p.Pro151Leu; replaces proline 151 with leucine.
Molecular consequence: missense variant.
Genome position (GRCh38, 1-based): chr6:101,626,548, C>T. VCF-style: chr6-101626548-C-T. GRCh37 (hg19) VCF-style: chr6-102074423-C-T.
Other names: c.452C>T, p.Pro151Leu (NM_001166247.1, NM_175768.3); short protein forms P151L.
Identifiers: ClinVar variation 3602327 (VCV003602327.1).
Genomic context (GRCh38, chr6:101,626,548, plus strand): 5'-AGACCCGCTGGAAGCACCAGGTGTCAGACAACAAAGATTCCTTCTATGTCAGTCTCTACC[C>T]AGACTTCTCTTCACTCAGCCGTGCCATTTTAGACCTGGTGCAGTTTTTCAAGTGGAAAAC-3'
Protein context (NP_068775.1, residues 141-161): NKDSFYVSLY[Pro151Leu]DFSSLSRAIL